The following is an entry in ClinVar:

NM_017841.4(SDHAF2):c.126T>G (p.Asp42Glu)

Gene: SDHAF2 (succinate dehydrogenase complex assembly factor 2; plus strand). Cytogenetic location: 11q12.2.
Variant type: single nucleotide variant.
Coding change: c.126T>G on transcript NM_017841.4 (MANE Select); coding-DNA position 126, T replaced by G.
Protein change: p.Asp42Glu; replaces aspartic acid 42 with glutamic acid.
Molecular consequence: missense variant.
Genome position (GRCh38, 1-based): chr11:61,437,714, T>G. VCF-style: chr11-61437714-T-G. GRCh37 (hg19) VCF-style: chr11-61205186-T-G.
Other names: short protein forms D42E.
Identifiers: ClinVar variation 3438742 (VCV003438742.1).

ClinVar aggregate classification (germline): Uncertain significance (1 of 4 stars; one submission).

Conditions:
Hereditary cancer-predisposing syndrome. Also called: Tumor predisposition; Neoplastic Syndromes, Hereditary; Hereditary neoplastic syndrome; Hereditary Cancer Syndrome. Identifiers: Orphanet 140162, MedGen C0027672, MeSH D009386, MONDO:0015356.

Submission:

Ambry Genetics
Classification: Uncertain significance for Hereditary cancer-predisposing syndrome. Last evaluated: 2024-12-02. Review status: criteria provided, single submitter. Criteria: Ambry Variant Classification Scheme 2023. Collection method: clinical testing. Allele origin: germline.
Comment: The p.D42E variant (also known as c.126T>G), located in coding exon 2 of the SDHAF2 gene, results from a T to G substitution at nucleotide position 126. The aspartic acid at codon 42 is replaced by glutamic acid, an amino acid with highly similar properties. This amino acid position is conserved. In addition, this alteration is predicted to be tolerated by in silico analysis. Based on the available evidence, the clinical significance of this variant remains unclear.